The following is an entry in ClinVar:

ClinVar aggregate classification (germline): Uncertain significance (1 of 4 stars; one submission).

Conditions:
Diffuse cerebral and cerebellar atrophy - intractable seizures - progressive microcephaly syndrome. Also called: Microcephaly, progressive, with seizures and cerebral and cerebellar atrophy. Identifiers: Orphanet 404437, MedGen C4014239, MONDO:0014335, OMIM 615760.

Submission:

Labcorp Genetics (formerly Invitae), Labcorp
Classification: Uncertain significance for Diffuse cerebral and cerebellar atrophy - intractable seizures - progressive microcephaly syndrome. Last evaluated: 2026-01-01. Review status: criteria provided, single submitter. Criteria: Invitae Variant Classification Sherloc (09022015). Collection method: clinical testing. Allele origin: germline.
Comment: This sequence change replaces threonine, which is neutral and polar, with isoleucine, which is neutral and non-polar, at codon 580 of the QARS protein (p.Thr580Ile). This variant is not present in population databases (gnomAD no frequency). This variant has not been reported in the literature in individuals affected with QARS-related conditions. ClinVar contains an entry for this variant (Variation ID: 1438853). Invitae Evidence Modeling of protein sequence and biophysical properties (such as structural, functional, and spatial information, amino acid conservation, physicochemical variation, residue mobility, and thermodynamic stability) has been performed for this missense variant. However, the output from this modeling did not meet the statistical confidence thresholds required to predict the impact of this variant on QARS protein function. In summary, the available evidence is currently insufficient to determine the role of this variant in disease. Therefore, it has been classified as a Variant of Uncertain Significance.

NM_005051.3(QARS1):c.1739C>T (p.Thr580Ile)

Gene: QARS1 (glutaminyl-tRNA synthetase 1; minus strand). Cytogenetic location: 3p21.31.
Variant type: single nucleotide variant.
Coding change: c.1739C>T on transcript NM_005051.3 (MANE Select); coding-DNA position 1739, C replaced by T.
Protein change: p.Thr580Ile; replaces threonine 580 with isoleucine.
Molecular consequence: missense variant. On other transcripts: non-coding transcript variant (1).
Genome position (GRCh38, 1-based): chr3:49,099,129, G>A on the plus strand (C>T on the coding strand, the complement: QARS1 is on the minus strand). VCF-style: chr3-49099129-G-A. GRCh37 (hg19) VCF-style: chr3-49136562-G-A.
Other names: c.1706C>T, p.Thr569Ile (NM_001272073.2); short protein forms T569I, T580I.
Identifiers: ClinVar variation 1438853 (VCV001438853.8), dbSNP rs2107098823, ClinGen allele CA352701953.
Genomic context (GRCh38, chr3:49,099,129, plus strand): 5'-CTACACACACACATGTGACACACATGTTGAGGCAGGCCCACCTTGGCAGCAGGAAAGTTG[G>A]TGATGATGACCCGTAGTGACTCCAGCACAGCCATGGCTCGTGGGGCTGTGTCATTCAGCA-3'
Protein context (NP_005042.1, residues 570-590): AVLESLRVII[Thr580Ile]NFPAAKSLDI